The following is an entry in ClinVar:

ClinVar aggregate classification (germline): Pathogenic (1 of 4 stars; one submission).

Allele frequency attached by ClinVar (database versions not stated): gnomAD exomes below 0.00001.

Submission:

Labcorp Genetics (formerly Invitae), Labcorp
Classification: Pathogenic. Last evaluated: 2022-09-25. Review status: criteria provided, single submitter. Criteria: Invitae Variant Classification Sherloc (09022015). Collection method: clinical testing. Allele origin: germline.
Comment: This variant is not present in population databases (gnomAD no frequency). This sequence change results in a frameshift in the C1QA gene (p.Gln70Argfs*212). While this is not anticipated to result in nonsense mediated decay, it is expected to disrupt the last 176 amino acid(s) of the C1QA protein and extend the protein by 35 additional amino acid residues. This variant has not been reported in the literature in individuals affected with C1QA-related conditions. This variant disrupts a region of the C1QA protein in which other variant(s) (p.Gln208*) have been determined to be pathogenic (PMID: 7594474, 8840296, 9225968, 21654842, 26563161, 29739689, 30008451). This suggests that this is a clinically significant region of the protein, and that variants that disrupt it are likely to be disease-causing. For these reasons, this variant has been classified as Pathogenic.

Literature cited by the submitters: PubMed 7594474; PubMed 8840296; PubMed 9225968; PubMed 21654842; PubMed 26563161; PubMed 29739689; PubMed 30008451.

NM_015991.4(C1QA):c.209del (p.Gln70fs)

Gene: C1QA (complement C1q A chain; plus strand). Cytogenetic location: 1p36.12.
Variant type: Deletion.
Coding change: c.209del on transcript NM_015991.4 (MANE Select); coding-DNA position 209, one base deleted (A; older notation c.209delA).
Protein change: p.Gln70fs; shifts the reading frame from glutamine 70.
Molecular consequence: frameshift variant.
Genome position (GRCh38, 1-based): chr1:22,638,878, A deleted. VCF-style (leftmost placement, unchanged base first): chr1-22638877-CA-C. GRCh37 (hg19) VCF-style: chr1-22965370-CA-C.
Other names: c.209del, p.Gln70fs (NM_001347465.2, NM_001347466.2); short protein forms Q70fs.
Identifiers: ClinVar variation 1969587 (VCV001969587.5), dbSNP rs2522181340, ClinGen allele CA2580061489.